The following is an entry in ClinVar:

ClinVar aggregate classification (germline): Uncertain significance (1 of 4 stars; one submission).

Allele frequency attached by ClinVar (database versions not stated): gnomAD exomes below 0.00001.
gnomAD v4.1: 4 of 1,613,888 alleles (0.00025%); highest among the groups gnomAD compares: Non-Finnish European, 0.00034%; no homozygotes.

Submission:

Ambry Genetics
Classification: Uncertain significance. Last evaluated: 2023-01-23. Review status: criteria provided, single submitter. Criteria: Ambry Variant Classification Scheme 2023. Collection method: clinical testing. Allele origin: germline.
Comment: The c.5151+5G>A intronic variant results from a G to A substitution 5 nucleotides after coding exon 44 in the KIF1B gene. This nucleotide position is well conserved in available vertebrate species. In silico splice site analysis predicts that this alteration will result in the creation or strengthening of a novel splice donor site. The evidence for this gene-disease relationship is limited; therefore, the clinical significance of this alteration is unclear.

NM_001365951.3(KIF1B):c.5289+5G>A

Gene: KIF1B (kinesin family member 1B; plus strand). Cytogenetic location: 1p36.22.
Variant type: single nucleotide variant.
Coding change: c.5289+5G>A on transcript NM_001365951.3 (MANE Select); 5 bases into the intron after coding-DNA position 5289, G replaced by A.
Molecular consequence: intron variant.
Genome position (GRCh38, 1-based): chr1:10,375,051, G>A. VCF-style: chr1-10375051-G-A. GRCh37 (hg19) VCF-style: chr1-10435109-G-A.
Other names: c.5151+5G>A (NM_015074.3); c.5289+5G>A (NM_001365952.1).
Identifiers: ClinVar variation 2497106 (VCV002497106.2), dbSNP rs2521983923, ClinGen allele CA2580060467.